The following is an entry in ClinVar:

ClinVar aggregate classification (germline): Likely benign. Review status: criteria provided, multiple submitters, no conflicts (2 of 4 stars). 4 submissions from 4 submitters: Likely benign (3). 1 of the submissions does not count toward it. Last evaluated 2026-02-25.

Conditions:
PDX1-related disorder. Also called: PDX1-related condition; PDX1-related disorders.
Maturity-onset diabetes of the young (MODY). Also called: Maturity onset diabetes mellitus in young. Identifiers: Orphanet 552, MedGen C0342276, MONDO:0018911, HP:0004904.

Allele frequency attached by ClinVar (database versions not stated): gnomAD exomes 0.00004; ExAC 0.00007; ESP Exome Variant Server 0.00008; TOPMed 0.00014; gnomAD 0.00025; 1000 Genomes Project 0.00040; 1000 Genomes Project 30x 0.00047.
gnomAD v4.1: 57 of 1,607,054 alleles (0.0035%); highest among the groups gnomAD compares: African/African-American, 0.072%; no homozygotes.

Submissions (4):

Women's Health and Genetics/Laboratory Corporation of America, LabCorp
Classification: Likely benign. Last evaluated: 2026-02-25. Review status: criteria provided, single submitter. Criteria: LabCorp Variant Classification Summary - May 2015. Collection method: clinical testing. Allele origin: germline.

Labcorp Genetics (formerly Invitae), Labcorp
Classification: Likely benign. Last evaluated: 2025-08-31. Review status: criteria provided, single submitter. Criteria: Invitae Variant Classification Sherloc (09022015). Collection method: clinical testing. Allele origin: germline.

Ambry Genetics
Classification: Likely benign for Maturity-onset diabetes of the young. Last evaluated: 2024-07-06. Review status: criteria provided, single submitter. Criteria: Ambry Variant Classification Scheme 2023. Collection method: clinical testing. Allele origin: germline.

PreventionGenetics, part of Exact Sciences
Classification: Likely benign for PDX1-related condition. Last evaluated: 2021-03-19. Review status: no assertion criteria provided. Collection method: clinical testing. Allele origin: germline. Not counted in ClinVar's aggregate classification.
Comment: This variant is classified as likely benign based on ACMG/AMP sequence variant interpretation guidelines (Richards et al. 2015 PMID: 25741868, with internal and published modifications).

NM_000209.4(PDX1):c.429G>C (p.Pro143=)

Gene: PDX1 (pancreatic and duodenal homeobox 1; plus strand). Cytogenetic location: 13q12.2.
Variant type: single nucleotide variant.
Coding change: c.429G>C on transcript NM_000209.4 (MANE Select); coding-DNA position 429, G replaced by C.
Protein change: p.Pro143=; no amino-acid change (proline 143 retained).
Molecular consequence: synonymous variant.
Genome position (GRCh38, 1-based): chr13:27,924,278, G>C. VCF-style: chr13-27924278-G-C. GRCh37 (hg19) VCF-style: chr13-28498415-G-C.
Identifiers: ClinVar variation 725137 (VCV000725137.9), dbSNP rs148001995, ClinGen allele CA6927666.